The following is an entry in ClinVar:

ClinVar aggregate classification (germline): Uncertain significance (1 of 4 stars; one submission).

Submission:

Labcorp Genetics (formerly Invitae), Labcorp
Classification: Uncertain significance. Last evaluated: 2025-11-17. Review status: criteria provided, single submitter. Criteria: Invitae Variant Classification Sherloc (09022015). Collection method: clinical testing. Allele origin: germline.
Comment: This sequence change replaces cysteine, which is neutral and slightly polar, with phenylalanine, which is neutral and non-polar, at codon 284 of the DLC1 protein (p.Cys284Phe). This variant is not present in population databases (gnomAD no frequency). This variant has not been reported in the literature in individuals affected with DLC1-related conditions. An algorithm developed to predict the effect of missense changes on protein structure and function (PolyPhen-2) suggests that this variant is likely to be tolerated. In summary, the available evidence is currently insufficient to determine the role of this variant in disease. Therefore, it has been classified as a Variant of Uncertain Significance.

NM_182643.3(DLC1):c.851G>T (p.Cys284Phe)

Gene: DLC1 (DLC1 Rho GTPase activating protein; minus strand). Cytogenetic location: 8p22.
Variant type: single nucleotide variant.
Coding change: c.851G>T on transcript NM_182643.3 (MANE Select); coding-DNA position 851, G replaced by T.
Protein change: p.Cys284Phe; replaces cysteine 284 with phenylalanine.
Molecular consequence: missense variant. On other transcripts: 5 prime UTR variant (1).
Genome position (GRCh38, 1-based): chr8:13,499,221, C>A on the plus strand (G>T on the coding strand, the complement: DLC1 is on the minus strand). VCF-style: chr8-13499221-C-A. GRCh37 (hg19) VCF-style: chr8-13356730-C-A.
Other names: c.851G>T, p.Cys284Phe (NM_001348081.2, NM_001413124.1, NM_001413125.1 and 1 more transcripts); c.-601G>T (NM_001348082.2); short protein forms C284F.
Identifiers: ClinVar variation 4723378 (VCV004723378.1).
Genomic context (GRCh38, chr8:13,499,221, plus strand): 5'-TTTTGATGTTGTGAAAAACCACTCTTCTCCAGGCCATTTTCAGCTGACATTCCATTGGGG[C>A]AGGAAGGAGGCTGCAGAAGGCAGCTTCCAAAATCTGTTTTTAATAATGGCAGTCCTCTGT-3'
Protein context (NP_872584.2, residues 274-294): FGSCLLQPPS[Cys284Phe]PNGMSAENGL